The following is an entry in ClinVar:

NM_006158.5(NEFL):c.26A>G (p.Tyr9Cys)

Gene: NEFL (neurofilament light chain; minus strand). Cytogenetic location: 8p21.2.
Variant type: single nucleotide variant.
Coding change: c.26A>G on transcript NM_006158.5 (MANE Select); coding-DNA position 26, A replaced by G.
Protein change: p.Tyr9Cys; replaces tyrosine 9 with cysteine.
Molecular consequence: missense variant.
Genome position (GRCh38, 1-based): chr8:24,956,490, T>C on the plus strand (A>G on the coding strand, the complement: NEFL is on the minus strand). VCF-style: chr8-24956490-T-C. GRCh37 (hg19) VCF-style: chr8-24814004-T-C.
Other names: short protein forms Y9C.
Identifiers: ClinVar variation 1350771 (VCV001350771.6), dbSNP rs1586129246, ClinGen allele CA370624274.

ClinVar aggregate classification (germline): Uncertain significance (1 of 4 stars; one submission).

Conditions:
Charcot-Marie-Tooth disease type 2E (CMT2E). Also called: CHARCOT-MARIE-TOOTH DISEASE, AXONAL, TYPE 2E; CHARCOT-MARIE-TOOTH NEUROPATHY, TYPE 2E. Identifiers: Orphanet 99939, MedGen C1843225, MONDO:0011894, OMIM 607684.

Allele frequency attached by ClinVar (database versions not stated): gnomAD exomes below 0.00001.

Submission:

Labcorp Genetics (formerly Invitae), Labcorp
Classification: Uncertain significance for Charcot-Marie-Tooth disease type 2E. Last evaluated: 2024-02-24. Review status: criteria provided, single submitter. Criteria: Invitae Variant Classification Sherloc (09022015). Collection method: clinical testing. Allele origin: germline.
Comment: This sequence change replaces tyrosine with cysteine at codon 9 of the NEFL protein (p.Tyr9Cys). The tyrosine residue is highly conserved and there is a large physicochemical difference between tyrosine and cysteine. This variant is not present in population databases (gnomAD no frequency). This variant has not been reported in the literature in individuals affected with NEFL-related conditions. ClinVar contains an entry for this variant (Variation ID: 1350771). Advanced modeling of protein sequence and biophysical properties (such as structural, functional, and spatial information, amino acid conservation, physicochemical variation, residue mobility, and thermodynamic stability) has been performed at Invitae for this missense variant, however the output from this modeling did not meet the statistical confidence thresholds required to predict the impact of this variant on NEFL protein function. In summary, the available evidence is currently insufficient to determine the role of this variant in disease. Therefore, it has been classified as a Variant of Uncertain Significance.